The following is an entry in ClinVar:

NM_016333.4(SRRM2):c.6908C>G (p.Pro2303Arg)

Gene: SRRM2 (serine/arginine repetitive matrix 2; plus strand). Cytogenetic location: 16p13.3.
Variant type: single nucleotide variant.
Coding change: c.6908C>G on transcript NM_016333.4 (MANE Select); coding-DNA position 6908, C replaced by G.
Protein change: p.Pro2303Arg; replaces proline 2303 with arginine.
Molecular consequence: missense variant.
Genome position (GRCh38, 1-based): chr16:2,767,436, C>G. VCF-style: chr16-2767436-C-G. GRCh37 (hg19) VCF-style: chr16-2817437-C-G.
Other names: short protein forms P2303R.
Identifiers: ClinVar variation 2499847 (VCV002499847.1), dbSNP rs2505614663, ClinGen allele CA394428001.

ClinVar aggregate classification (germline): Uncertain significance (1 of 4 stars; one submission).

Submission:

GeneDx
Classification: Uncertain significance. Last evaluated: 2022-10-13. Review status: criteria provided, single submitter. Criteria: GeneDx Variant Classification Process June 2021. Collection method: clinical testing. Allele origin: germline. Affected: yes.
Comment: Not observed at significant frequency in large population cohorts (gnomAD); In silico analysis supports that this missense variant does not alter protein structure/function; Has not been previously published as pathogenic or benign to our knowledge